The following is an entry in ClinVar:

NM_000384.3(APOB):c.9095_9103del (p.Thr3032_Lys3034del)

Gene: APOB (apolipoprotein B; minus strand). Cytogenetic location: 2p24.1.
Variant type: Deletion.
Coding change: c.9095_9103del on transcript NM_000384.3 (MANE Select); coding-DNA positions 9095 to 9103, 9 bases deleted (CTTTGAAAA; older notation c.9095_9103delCTTTGAAAA).
Protein change: p.Thr3032_Lys3034del.
Molecular consequence: inframe deletion.
Genome position (GRCh38, 1-based): chr2:21,007,765-21,007,773, TTTTCAAAG deleted on the plus strand (CTTTGAAAA on the coding strand, the reverse complement: APOB is on the minus strand); deleting any 9 consecutive bases within chr2:21,007,765-21,007,775 gives the same sequence; the c. name uses the placement nearest the transcript's 3' end. VCF-style (leftmost placement, unchanged base first): chr2-21007764-TTTTTCAAAG-T. GRCh37 (hg19) VCF-style: chr2-21230636-TTTTTCAAAG-T.
Identifiers: ClinVar variation 3752794 (VCV003752794.2).

ClinVar aggregate classification (germline): Uncertain significance (1 of 4 stars; one submission).

Conditions:
Familial hypobetalipoproteinemia 1. Also called: APOB-Related Familial Hypobetalipoproteinemia; Hypobetalipoproteinemia, normotriglyceridemic; Acanthocytosis with hypobetalipoproteinemia. Identifiers: MedGen C4551990, MONDO:0014252, OMIM 615558.
Hypercholesterolemia, autosomal dominant, type B (FHCL2). Also called: Familial Hypercholesterolemia Type B; APOLIPOPROTEIN B-100, FAMILIAL DEFECTIVE; APOLIPOPROTEIN B-100, FAMILIAL LIGAND-DEFECTIVE; HYPERCHOLESTEROLEMIA, FAMILIAL, DUE TO LIGAND-DEFECTIVE APOLIPOPROTEIN B; Hyperlipoproteinemia Type IIb; Familial hypercholesterolemia 2. Identifiers: MedGen C1704417, MONDO:0007751, OMIM 144010.

Submission:

Labcorp Genetics (formerly Invitae), Labcorp
Classification: Uncertain significance for Familial hypobetalipoproteinemia 1; Hypercholesterolemia, autosomal dominant, type B. Last evaluated: 2025-04-11. Review status: criteria provided, single submitter. Criteria: Invitae Variant Classification Sherloc (09022015). Collection method: clinical testing. Allele origin: germline.
Comment: This variant, c.9095_9103del, results in the deletion of 3 amino acid(s) of the APOB protein (p.Thr3032_Lys3034del), but otherwise preserves the integrity of the reading frame. This variant is not present in population databases (gnomAD no frequency). This variant has not been reported in the literature in individuals affected with APOB-related conditions. ClinVar contains an entry for this variant (Variation ID: 3752794). Experimental studies and prediction algorithms are not available or were not evaluated, and the functional significance of this variant is currently unknown. In summary, the available evidence is currently insufficient to determine the role of this variant in disease. Therefore, it has been classified as a Variant of Uncertain Significance.